The following is an entry in ClinVar:

NM_020639.3(RIPK4):c.722G>A (p.Arg241His)

Gene: RIPK4 (receptor interacting serine/threonine kinase 4; minus strand). Cytogenetic location: 21q22.3.
Variant type: single nucleotide variant.
Coding change: c.722G>A on transcript NM_020639.3 (MANE Select); coding-DNA position 722, G replaced by A.
Protein change: p.Arg241His; replaces arginine 241 with histidine.
Molecular consequence: missense variant.
Genome position (GRCh38, 1-based): chr21:41,746,723, C>T on the plus strand (G>A on the coding strand, the complement: RIPK4 is on the minus strand). VCF-style: chr21-41746723-C-T. GRCh37 (hg19) VCF-style: chr21-43166883-C-T.
Other names: short protein forms R241H.
Identifiers: ClinVar variation 1285557 (VCV001285557.1), dbSNP rs891831110, ClinGen allele CA321459776.

ClinVar aggregate classification (germline): Likely pathogenic (1 of 4 stars; one submission).

Conditions:
Bartsocas-Papas syndrome 1. Also called: MULTIPLE PTERYGIUM SYNDROME, ASLAN TYPE; PTERYGIUM, POPLITEAL, LETHAL TYPE; Bartsocas-Papas syndrome. Identifiers: Orphanet 1234, MedGen C1849718, MONDO:0009901, OMIM 263650.

Allele frequency attached by ClinVar (database versions not stated): gnomAD exomes 0.00001.

Submission:

Institute of Human Genetics, University of Leipzig Medical Center
Classification: Likely pathogenic for Bartsocas-Papas syndrome 1. Last evaluated: 2021-03-26. Review status: criteria provided, single submitter. Criteria: ACMG Guidelines, 2015. Collection method: clinical testing. Allele origin: maternal. Affected: yes.
Comment: This variant was identified as homozygous.